The following is an entry in ClinVar:

ClinVar aggregate classification (germline): Uncertain significance (1 of 4 stars; one submission).

Conditions:
Hereditary cancer-predisposing syndrome. Also called: Neoplastic Syndromes, Hereditary; Tumor predisposition; Hereditary Cancer Syndrome; Hereditary neoplastic syndrome. Identifiers: Orphanet 140162, MedGen C0027672, MeSH D009386, MONDO:0015356.

Submission:

Ambry Genetics
Classification: Uncertain significance for Hereditary cancer-predisposing syndrome. Last evaluated: 2025-10-26. Review status: criteria provided, single submitter. Criteria: Ambry Variant Classification Scheme 2023. Collection method: clinical testing. Allele origin: germline.
Comment: The p.P737A variant (also known as c.2209C>G), located in coding exon 13 of the DICER1 gene, results from a C to G substitution at nucleotide position 2209. The proline at codon 737 is replaced by alanine, an amino acid with highly similar properties. This amino acid position is conserved. In addition, this alteration is predicted to be tolerated by in silico analysis. Based on the available evidence, the clinical significance of this variant remains unclear.

NM_177438.3(DICER1):c.2209C>G (p.Pro737Ala)

Gene: DICER1 (dicer 1, ribonuclease III; minus strand). Cytogenetic location: 14q32.13.
Variant type: single nucleotide variant.
Coding change: c.2209C>G on transcript NM_177438.3 (MANE Select); coding-DNA position 2209, C replaced by G.
Protein change: p.Pro737Ala; replaces proline 737 with alanine.
Molecular consequence: missense variant. On other transcripts: non-coding transcript variant (6).
Genome position (GRCh38, 1-based): chr14:95,111,364, G>C on the plus strand (C>G on the coding strand, the complement: DICER1 is on the minus strand). VCF-style: chr14-95111364-G-C. GRCh37 (hg19) VCF-style: chr14-95577701-G-C.
Other names: c.2209C>G, p.Pro737Ala (NM_001195573.1, NM_001271282.3, NM_001291628.2 and 12 more transcripts); c.1927C>G, p.Pro643Ala (NM_001395686.1); c.1804C>G, p.Pro602Ala (NM_001395687.1, NM_001395688.1, NM_001395689.1 and 3 more transcripts); c.1642C>G, p.Pro548Ala (NM_001395691.1); c.526C>G, p.Pro176Ala (NM_001395697.1); short protein forms P602A, P643A, P176A, P548A, P737A.
Identifiers: ClinVar variation 4637391 (VCV004637391.1).